The following is an entry in ClinVar:

NM_001177306.2(PAM):c.2663G>A (p.Arg888Gln)

Gene: PAM (peptidylglycine alpha-amidating monooxygenase; plus strand). Cytogenetic location: 5q21.1.
Variant type: single nucleotide variant.
Coding change: c.2663G>A on transcript NM_001177306.2 (MANE Select); coding-DNA position 2663, G replaced by A.
Protein change: p.Arg888Gln; replaces arginine 888 with glutamine.
Molecular consequence: missense variant. On other transcripts: non-coding transcript variant (1), intron variant (8).
Genome position (GRCh38, 1-based): chr5:103,025,308, G>A. VCF-style: chr5-103025308-G-A. GRCh37 (hg19) VCF-style: chr5-102361012-G-A.
Other names: c.2663G>A, p.Arg888Gln (NM_000919.4, NM_001364582.2); c.2717G>A, p.Arg906Gln (NM_001319943.1); c.2660G>A, p.Arg887Gln (NM_001364583.2, NM_001364584.2); c.2342G>A, p.Arg781Gln (NM_001364586.2, NM_001364589.2, NM_138821.2); c.2339G>A, p.Arg780Gln (NM_001364587.2, NM_001364588.2); c.2258-2874G>A (NM_001364590.2); c.2486-2874G>A (NM_001364585.2); c.2219-2874G>A (NM_001364591.2); and 5 more; short protein forms R781Q, R887Q, R906Q, R888Q, R780Q.
Identifiers: ClinVar variation 2357857 (VCV002357857.2), dbSNP rs376124243, ClinGen allele CA3359290.

ClinVar aggregate classification (germline): Uncertain significance (1 of 4 stars; one submission).

Allele frequency attached by ClinVar (database versions not stated): ExAC 0.00003; ESP Exome Variant Server 0.00008; gnomAD 0.00009; TOPMed 0.00014.
gnomAD v4.1: 35 of 1,613,364 alleles (0.0022%); highest among the groups gnomAD compares: African/African-American, 0.023%; no homozygotes.

Submission:

Ambry Genetics
Classification: Uncertain significance. Last evaluated: 2022-06-03. Review status: criteria provided, single submitter. Criteria: Ambry Variant Classification Scheme 2023. Collection method: clinical testing. Allele origin: germline.
Comment: The c.2663G>A (p.R888Q) alteration is located in coding exon 23 of the PAM gene. This alteration results from a G to A substitution at nucleotide position 2663, causing the arginine (R) at amino acid position 888 to be replaced by a glutamine (Q). The altered amino acid is not conserved throughout evolution:_x000D_ _x000D_ The p.R888 amino acid is not conserved in available vertebrate species. The alteration is predicted benign by in silico models:_x000D_ _x000D_ The p.R888Q alteration is predicted to be benign by Polyphen and tolerated by SIFT in silico analyses. Based on insufficient or conflicting evidence, the clinical significance of this alteration remains unclear.